The following is an entry in ClinVar:

ClinVar aggregate classification (germline): Uncertain significance (1 of 4 stars; one submission).

Conditions:
Muscular dystrophy-dystroglycanopathy (congenital with brain and eye anomalies), type A, 7. Also called: WALKER-WARBURG SYNDROME OR MUSCLE-EYE-BRAIN DISEASE, ISPD-RELATED; Congenital muscular dystrophy-dystroglycanopathy with brain and eye anomalies, type A7. Identifiers: Orphanet 899, MedGen C3553330, MONDO:0013835, OMIM 614643.
Autosomal recessive limb-girdle muscular dystrophy type 2U. Also called: Muscular dystrophy-dystroglycanopathy (limb-girdle), type c, 7; MUSCULAR DYSTROPHY, LIMB-GIRDLE, TYPE 2U. Identifiers: Orphanet 352479, MedGen C5190987, MONDO:0014474, OMIM 616052.

Submission:

Labcorp Genetics (formerly Invitae), Labcorp
Classification: Uncertain significance for Muscular dystrophy-dystroglycanopathy (congenital with brain and eye anomalies), type A, 7; Autosomal recessive limb-girdle muscular dystrophy type 2U. Last evaluated: 2022-04-17. Review status: criteria provided, single submitter. Criteria: Invitae Variant Classification Sherloc (09022015). Collection method: clinical testing. Allele origin: germline.
Comment: This sequence change replaces alanine, which is neutral and non-polar, with serine, which is neutral and polar, at codon 138 of the ISPD protein (p.Ala138Ser). This variant is not present in population databases (gnomAD no frequency). This variant has not been reported in the literature in individuals affected with ISPD-related conditions. Algorithms developed to predict the effect of missense changes on protein structure and function output the following: SIFT: "Tolerated"; PolyPhen-2: "Benign"; Align-GVGD: "Class C0". The serine amino acid residue is found in multiple mammalian species, which suggests that this missense change does not adversely affect protein function. In summary, the available evidence is currently insufficient to determine the role of this variant in disease. Therefore, it has been classified as a Variant of Uncertain Significance.

NM_001101426.4(CRPPA):c.412G>T (p.Ala138Ser)

Gene: CRPPA (CDP-L-ribitol pyrophosphorylase A; minus strand). Cytogenetic location: 7p21.2.
Variant type: single nucleotide variant.
Coding change: c.412G>T on transcript NM_001101426.4 (MANE Select); coding-DNA position 412, G replaced by T.
Protein change: p.Ala138Ser; replaces alanine 138 with serine.
Molecular consequence: missense variant. On other transcripts: non-coding transcript variant (1).
Genome position (GRCh38, 1-based): chr7:16,406,183, C>A on the plus strand (G>T on the coding strand, the complement: CRPPA is on the minus strand). VCF-style: chr7-16406183-C-A. GRCh37 (hg19) VCF-style: chr7-16445808-C-A.
Other names: c.412G>T, p.Ala138Ser (NM_001101417.4, NM_001368197.1); short protein forms A138S.
Identifiers: ClinVar variation 1680790 (VCV001680790.5), dbSNP rs1787948983, ClinGen allele CA367002464.